The following is an entry in ClinVar:

NM_001364905.1(LRBA):c.8061T>C (p.Tyr2687=)

Gene: LRBA (LPS responsive beige-like anchor protein; minus strand). Cytogenetic location: 4q31.3.
Variant type: single nucleotide variant.
Coding change: c.8061T>C on transcript NM_001364905.1 (MANE Select); coding-DNA position 8061, T replaced by C.
Protein change: p.Tyr2687=; no amino-acid change (tyrosine 2687 retained).
Molecular consequence: synonymous variant.
Genome position (GRCh38, 1-based): chr4:150,285,991, A>G on the plus strand (T>C on the coding strand, the complement: LRBA is on the minus strand). VCF-style: chr4-150285991-A-G. GRCh37 (hg19) VCF-style: chr4-151207143-A-G.
Other names: c.8076T>C, p.Tyr2692= (NM_001367550.1); c.8094T>C, p.Tyr2698= (NM_006726.5); c.8058T>C, p.Tyr2686= (NM_001199282.3).
Identifiers: ClinVar variation 779633 (VCV000779633.41), dbSNP rs146768056, ClinGen allele CA3101450.

ClinVar aggregate classification (germline): Likely benign. Review status: criteria provided, multiple submitters, no conflicts (2 of 4 stars). 3 submissions from 3 submitters: Likely benign (3). Last evaluated 2026-01-02.

Conditions:
Combined immunodeficiency due to LRBA deficiency. Also called: Common variable immunodeficiency 8, with autoimmunity. Identifiers: Orphanet 445018, MedGen C3553512, MONDO:0013863, OMIM 614700.

Allele frequency attached by ClinVar (database versions not stated): gnomAD 0.00014 and 0.00016; 1000 Genomes Project 30x 0.00016; TOPMed 0.00017; 1000 Genomes Project 0.00020; gnomAD exomes 0.00029 and 0.00032; ESP Exome Variant Server 0.00031; ExAC 0.00073.
gnomAD v4.1: 482 of 1,595,608 alleles (0.03%); highest among the groups gnomAD compares: Non-Finnish European, 0.038%; no homozygotes.

Submissions (3):

Labcorp Genetics (formerly Invitae), Labcorp
Classification: Likely benign for Combined immunodeficiency due to LRBA deficiency. Last evaluated: 2026-01-02. Review status: criteria provided, single submitter. Criteria: Invitae Variant Classification Sherloc (09022015). Collection method: clinical testing. Allele origin: germline.

Blueprint Genetics
Classification: Likely benign. Last evaluated: 2024-11-11. Review status: criteria provided, single submitter. Criteria: ACMG Guidelines, 2015. Collection method: clinical testing. Allele origin: germline.

CeGaT Center for Human Genetics Tuebingen
Classification: Likely benign. Last evaluated: 2022-09-01. Review status: criteria provided, single submitter. Criteria: CeGaT Center For Human Genetics Tuebingen Variant Classification Criteria Version 2. Collection method: clinical testing. Allele origin: germline. Affected: yes. Observed: 1 variant allele.
Comment: LRBA: BP4, BP7